The following is an entry in ClinVar:

NM_001374736.1(DST):c.23195-16T>C

Gene: DST (dystonin; minus strand). Cytogenetic location: 6p12.1.
Variant type: single nucleotide variant.
Coding change: c.23195-16T>C on transcript NM_001374736.1 (MANE Select); 16 bases into the intron before coding-DNA position 23195, T replaced by C.
Molecular consequence: intron variant.
Genome position (GRCh38, 1-based): chr6:56,459,283, A>G on the plus strand (T>C on the coding strand, the complement: DST is on the minus strand). VCF-style: chr6-56459283-A-G. GRCh37 (hg19) VCF-style: chr6-56324081-A-G.
Other names: c.16766-16T>C (NM_001144769.5); c.23123-16T>C (NM_001374722.1); c.23150-16T>C (NM_001374734.1); c.16352-16T>C (NM_001144770.2); c.15866-16T>C (NM_001374730.1); c.16214-16T>C (NM_001386100.1); c.16232-16T>C (NM_183380.4); c.22124-16T>C (NM_001374729.1); and 1 more.
Identifiers: ClinVar variation 1913443 (VCV001913443.2), dbSNP rs375160184, ClinGen allele CA139162312.

ClinVar aggregate classification (germline): Uncertain significance (1 of 4 stars; one submission).

Conditions:
Hereditary sensory and autonomic neuropathy type 6. Also called: HSAN VI; Neuropathy, hereditary sensory and autonomic, type VI. Identifiers: Orphanet 314381, MedGen C3539003, MONDO:0013839, OMIM 614653.
Epidermolysis bullosa simplex 3, localized or generalized intermediate, with BP230 deficiency (EBS3). Also called: Epidermolysis bullosa simplex, autosomal recessive 2; Epidermolysis bullosa simplex due to BP230 deficiency. Identifiers: Orphanet 412181, MedGen C3809470, MONDO:0014180, OMIM 615425.

Allele frequency attached by ClinVar (database versions not stated): gnomAD 0.00001; TOPMed 0.00001; ESP Exome Variant Server 0.00008.
gnomAD v4.1: 1 of 1,608,328 alleles (0.000062%); highest among the groups gnomAD compares: Non-Finnish European, 0.000085%; no homozygotes.

Submission:

Labcorp Genetics (formerly Invitae), Labcorp
Classification: Uncertain significance for Epidermolysis bullosa simplex 3, localized or generalized intermediate, with BP230 deficiency; Hereditary sensory and autonomic neuropathy type 6. Last evaluated: 2022-05-18. Review status: criteria provided, single submitter. Criteria: Invitae Variant Classification Sherloc (09022015). Collection method: clinical testing. Allele origin: germline.
Comment: The DST gene has multiple clinically relevant transcripts. This variant occurs in alternate transcript NM_015548.4, and corresponds to NM_001723.5:c.*156234T>C in the primary transcript. This sequence change falls in intron 83 of the DST gene. It does not directly change the encoded amino acid sequence of the DST protein. This variant is not present in population databases (gnomAD no frequency). This variant has not been reported in the literature in individuals affected with DST-related conditions. Experimental studies and prediction algorithms are not available or were not evaluated, and the effect of this variant on mRNA splicing is currently unknown. In summary, the available evidence is currently insufficient to determine the role of this variant in disease. Therefore, it has been classified as a Variant of Uncertain Significance.